The following is an entry in ClinVar:

NM_032043.3(BRIP1):c.790C>A (p.Arg264=)

Gene: BRIP1 (BRCA1 interacting DNA helicase 1; minus strand). Cytogenetic location: 17q23.2.
Variant type: single nucleotide variant.
Coding change: c.790C>A on transcript NM_032043.3 (MANE Select); coding-DNA position 790, C replaced by A.
Protein change: p.Arg264=; no amino-acid change (arginine 264 retained).
Molecular consequence: synonymous variant.
Genome position (GRCh38, 1-based): chr17:61,808,595, G>T on the plus strand (C>A on the coding strand, the complement: BRIP1 is on the minus strand). VCF-style: chr17-61808595-G-T. GRCh37 (hg19) VCF-style: chr17-59885956-G-T.
Identifiers: ClinVar variation 3379003 (VCV003379003.1).

ClinVar aggregate classification (germline): Benign (1 of 4 stars; one submission).

Conditions:
Familial cancer of breast. Also called: hereditary breast carcinoma; Hereditary breast cancer; BREAST CANCER, FAMILIAL. Identifiers: Orphanet 227535, MedGen C0346153, MONDO:0016419, OMIM 114480. Disease mechanism: loss of function.

Submission:

Myriad Genetics, Inc.
Classification: Benign for Familial cancer of breast. Last evaluated: 2024-08-22. Review status: criteria provided, single submitter. Criteria: Myriad Autosomal Dominant, Autosomal Recessive and X-Linked Classification Criteria (2023). Collection method: clinical testing. Allele origin: unknown.
Comment: This variant is considered benign. This variant is a silent/synonymous amino acid change and it is not expected to impact splicing.